The following is an entry in ClinVar:

NM_006580.4(CLDN16):c.24C>T (p.Ile8=)

Gene: CLDN16 (claudin 16; plus strand). Cytogenetic location: 3q28.
Variant type: single nucleotide variant.
Coding change: c.24C>T on transcript NM_006580.4 (MANE Select); coding-DNA position 24, C replaced by T.
Protein change: p.Ile8=; no amino-acid change (isoleucine 8 retained).
Molecular consequence: synonymous variant.
Genome position (GRCh38, 1-based): chr3:190,388,353, C>T. VCF-style: chr3-190388353-C-T. GRCh37 (hg19) VCF-style: chr3-190106142-C-T.
Other names: c.24C>T, p.Ile8= (NM_001378492.1, NM_001378493.1).
Identifiers: ClinVar variation 3054655 (VCV003054655.2), dbSNP rs372129081, ClinGen allele CA2753729.

ClinVar aggregate classification (germline): Likely benign (0 of 4 stars; one submission).

Conditions:
CLDN16-related disorder. Also called: CLDN16-related condition.

Allele frequency attached by ClinVar (database versions not stated): gnomAD 0.00001; TOPMed 0.00001; ExAC 0.00002; ESP Exome Variant Server 0.00008.
gnomAD v4.1: 13 of 1,613,970 alleles (0.00081%); highest among the groups gnomAD compares: Middle Eastern, 0.016%; no homozygotes.

Submission:

PreventionGenetics, part of Exact Sciences
Classification: Likely benign for CLDN16-related condition. Last evaluated: 2022-10-19. Review status: no assertion criteria provided. Collection method: clinical testing. Allele origin: germline.
Comment: This variant is classified as likely benign based on ACMG/AMP sequence variant interpretation guidelines (Richards et al. 2015 PMID: 25741868, with internal and published modifications).